The following is an entry in ClinVar:

NM_002230.4(JUP):c.21G>A (p.Met7Ile)

Gene: JUP (junction plakoglobin; minus strand). Cytogenetic location: 17q21.2.
Variant type: single nucleotide variant.
Coding change: c.21G>A on transcript NM_002230.4 (MANE Select); coding-DNA position 21, G replaced by A.
Protein change: p.Met7Ile; replaces methionine 7 with isoleucine.
Molecular consequence: missense variant.
Genome position (GRCh38, 1-based): chr17:41,771,834, C>T on the plus strand (G>A on the coding strand, the complement: JUP is on the minus strand). VCF-style: chr17-41771834-C-T. GRCh37 (hg19) VCF-style: chr17-39928086-C-T.
Other names: c.21G>A, p.Met7Ile (NM_001352773.2, NM_001352774.2, NM_001352775.2 and 3 more transcripts); short protein forms M7I.
Identifiers: ClinVar variation 966967 (VCV000966967.10), dbSNP rs782076076, ClinGen allele CA399507335.

ClinVar aggregate classification (germline): Conflicting classifications of pathogenicity. Review status: criteria provided, conflicting classifications (1 of 4 stars). 2 submissions from 2 submitters: Uncertain significance (1); Likely benign (1). Last evaluated 2026-06-04.

Conditions:
Cardiovascular phenotype. Identifiers: MedGen CN230736.
Naxos disease (NXD). Also called: KERATOSIS PALMOPLANTARIS WITH ARRHYTHMOGENIC CARDIOMYOPATHY; MAL DE NAXOS; PALMOPLANTAR KERATODERMA WITH ARRHYTHMOGENIC RIGHT VENTRICULAR CARDIOMYOPATHY AND WOOLLY HAIR; CARDIOMYOPATHY, ARRHYTHMOGENIC RIGHT VENTRICULAR, WITH SKIN, HAIR, AND NAIL ABNORMALITIES; WOOLLY HAIR, PALMOPLANTAR KERATODERMA, AND CARDIAC ABNORMALITIES. Identifiers: Orphanet 34217, MedGen C1832600, MONDO:0011017, OMIM 601214.
Arrhythmogenic right ventricular dysplasia 12. Also called: ARRHYTHMOGENIC RIGHT VENTRICULAR DYSPLASIA, FAMILIAL, 12. Identifiers: MedGen C1969081, MONDO:0012684, OMIM 611528.

Submissions (2):

Ambry Genetics
Classification: Likely benign for Cardiovascular phenotype. Last evaluated: 2026-06-04. Review status: criteria provided, single submitter. Criteria: Ambry Variant Classification Scheme 2023. Collection method: clinical testing. Allele origin: germline.

Labcorp Genetics (formerly Invitae), Labcorp
Classification: Uncertain significance for Arrhythmogenic right ventricular dysplasia 12; Naxos disease. Last evaluated: 2019-10-03. Review status: criteria provided, single submitter. Criteria: Invitae Variant Classification Sherloc (09022015). Collection method: clinical testing. Allele origin: germline.
Comment: Algorithms developed to predict the effect of missense changes on protein structure and function output the following: SIFT: "Tolerated"; PolyPhen-2: "Benign"; Align-GVGD: "Class C0". The isoleucine amino acid residue is found in multiple mammalian species, suggesting that this missense change does not adversely affect protein function. These predictions have not been confirmed by published functional studies and their clinical significance is uncertain. In summary, the available evidence is currently insufficient to determine the role of this variant in disease. Therefore, it has been classified as a Variant of Uncertain Significance. This variant has not been reported in the literature in individuals with JUP-related conditions. This variant is not present in population databases (ExAC no frequency). This sequence change replaces methionine with isoleucine at codon 7 of the JUP protein (p.Met7Ile). The methionine residue is weakly conserved and there is a small physicochemical difference between methionine and isoleucine.